The following is an entry in ClinVar:

ClinVar aggregate classification (germline): Pathogenic (1 of 4 stars; one submission).

Submission:

Labcorp Genetics (formerly Invitae), Labcorp
Classification: Pathogenic. Last evaluated: 2023-02-09. Review status: criteria provided, single submitter. Criteria: Invitae Variant Classification Sherloc (09022015). Collection method: clinical testing. Allele origin: germline.
Comment: This sequence change creates a premature translational stop signal (p.Arg23Serfs*33) in the IFT74 gene. It is expected to result in an absent or disrupted protein product. Loss-of-function variants in IFT74 are known to be pathogenic (PMID: 33531668). This variant is not present in population databases (gnomAD no frequency). This variant has not been reported in the literature in individuals affected with IFT74-related conditions. For these reasons, this variant has been classified as Pathogenic.

Literature cited by the submitters: PubMed 33531668.

NM_025103.4(IFT74):c.69del (p.Arg23fs)

Gene: IFT74 (intraflagellar transport 74; plus strand). Cytogenetic location: 9p21.2.
Variant type: Deletion.
Coding change: c.69del on transcript NM_025103.4 (MANE Select); coding-DNA position 69, one base deleted (G; older notation c.69delG).
Protein change: p.Arg23fs; shifts the reading frame from arginine 23.
Molecular consequence: frameshift variant.
Genome position (GRCh38, 1-based): chr9:26,962,036, G deleted; the last of 2 consecutive G bases (chr9:26,962,035-26,962,036); deleting either gives the same sequence. VCF-style (leftmost placement, unchanged base first): chr9-26962034-AG-A. GRCh37 (hg19) VCF-style: chr9-26962032-AG-A.
Other names: c.69del, p.Arg23fs (NM_001099222.3, NM_001099223.3, NM_001099224.3 and 1 more transcripts); short protein forms R23fs.
Identifiers: ClinVar variation 1974397 (VCV001974397.5), dbSNP rs2489278121, ClinGen allele CA2580080308.
Genomic context (GRCh38, chr9:26,962,034, plus strand): 5'-AGCAATCACAAATCTTCAGCAGCTCGCCCTGTTTCAAGAGGTGGAGTTGGGTTAACAGGA[AG>A]GCCTCCTTCTGGGATACGACCCCTATCAGGAAATATTCGAGTGGCAACTGCAGTAAGTTT-3'